The following is an entry in ClinVar:

ClinVar aggregate classification (germline): Uncertain significance. Review status: criteria provided, multiple submitters, no conflicts (2 of 4 stars). 4 submissions from 4 submitters: Uncertain significance (4). Last evaluated 2024-11-28.

Conditions:
Inborn genetic diseases. Identifiers: MedGen C0950123, MeSH D030342.
Fanconi anemia (FA). Also called: Fanconi's anemia. Identifiers: Orphanet 84, MedGen C0015625, MeSH D005199, MONDO:0019391.
Fanconi anemia complementation group A (FANCA). Also called: FANCA-Related Fanconi Anemia; Fanconi anemia, group A. Identifiers: Orphanet 84, MedGen C3469521, MONDO:0009215, OMIM 227650.

gnomAD v4.1: 15 of 1,526,802 alleles (0.00098%); highest among the groups gnomAD compares: Non-Finnish European, 0.0012%; no homozygotes.

Submissions (4):

Ambry Genetics
Classification: Uncertain significance for Inborn genetic diseases. Last evaluated: 2024-11-28. Review status: criteria provided, single submitter. Criteria: Ambry Variant Classification Scheme 2023. Collection method: clinical testing. Allele origin: germline.
Comment: The p.P7R variant (also known as c.20C>G), located in coding exon 1 of the FANCA gene, results from a C to G substitution at nucleotide position 20. The proline at codon 7 is replaced by arginine, an amino acid with dissimilar properties. This amino acid position is conserved. In addition, this alteration is predicted to be tolerated by in silico analysis. Based on the available evidence, the clinical significance of this variant remains unclear.

Fulgent Genetics
Classification: Uncertain significance for Fanconi anemia complementation group A. Last evaluated: 2024-05-16. Review status: criteria provided, single submitter. Criteria: ACMG Guidelines, 2015. Collection method: clinical testing. Allele origin: germline.

Labcorp Genetics (formerly Invitae), Labcorp
Classification: Uncertain significance for Fanconi anemia. Last evaluated: 2023-11-10. Review status: criteria provided, single submitter. Criteria: Invitae Variant Classification Sherloc (09022015). Collection method: clinical testing. Allele origin: germline.
Comment: This sequence change replaces proline, which is neutral and non-polar, with arginine, which is basic and polar, at codon 7 of the FANCA protein (p.Pro7Arg). This variant is present in population databases (no rsID available, gnomAD 0.002%). This variant has not been reported in the literature in individuals affected with FANCA-related conditions. ClinVar contains an entry for this variant (Variation ID: 1371533). Advanced modeling of protein sequence and biophysical properties (such as structural, functional, and spatial information, amino acid conservation, physicochemical variation, residue mobility, and thermodynamic stability) performed at Invitae indicates that this missense variant is not expected to disrupt FANCA protein function with a negative predictive value of 95%. In summary, the available evidence is currently insufficient to determine the role of this variant in disease. Therefore, it has been classified as a Variant of Uncertain Significance.

Quest Diagnostics Nichols Institute San Juan Capistrano
Classification: Uncertain significance. Last evaluated: 2023-05-01. Review status: criteria provided, single submitter. Criteria: Quest Diagnostics criteria. Collection method: clinical testing. Allele origin: unknown.
Comment: This variant has not been reported in the published literature. The frequency of this variant in the general population, 0.0000081 (1/123494 chromosomes), is uninformative in assessment of its pathogenicity. Analysis of this variant using bioinformatics tools for the prediction of the effect of amino acid changes on protein structure and function yielded predictions that this variant is benign. Based on the available information, we are unable to determine the clinical significance of this variant.

NM_000135.4(FANCA):c.20C>G (p.Pro7Arg)

Genes: FANCA (FA complementation group A; minus strand), LOC112486223 (Sharpr-MPRA regulatory region 3988; plus strand). Cytogenetic location: 16q24.3.
Variant type: single nucleotide variant.
Coding change: c.20C>G on transcript NM_000135.4 (MANE Select); coding-DNA position 20, C replaced by G.
Protein change: p.Pro7Arg; replaces proline 7 with arginine.
Molecular consequence: missense variant.
Genome position (GRCh38, 1-based): chr16:89,816,596, G>C on the plus strand (C>G on the coding strand, the complement: FANCA is on the minus strand). VCF-style: chr16-89816596-G-C. GRCh37 (hg19) VCF-style: chr16-89883004-G-C.
Other names: c.20C>G, p.Pro7Arg (NM_001018112.3, NM_001286167.3, NM_001351830.2); c.20C>G (NM_000135.2, NM_000135.3); short protein forms P7R.
Identifiers: ClinVar variation 1371533 (VCV001371533.11), dbSNP rs772712346, ClinGen allele CA397484599.
Genomic context (GRCh38, chr16:89,816,596, plus strand): 5'-CCCAGCAGCTCGGCCCAGGCCCTCCGGCGGCCCCCTGGGTCCTGGCCCGAGGCGGAGTTC[G>C]GGACCCACGAGTCGGACATGGCCTTGGCGCCTACAGCCCCGGCGGCGGCTCCCTGCGCCC-3'
Protein context (NP_000126.2, residues 1-17): MSDSWV[Pro7Arg]NSASGQDPGG